The following is an entry in ClinVar:

NM_002485.5(NBN):c.167A>G (p.Asn56Ser)

Gene: NBN (nibrin; minus strand). Cytogenetic location: 8q21.3.
Variant type: single nucleotide variant.
Coding change: c.167A>G on transcript NM_002485.5 (MANE Select); coding-DNA position 167, A replaced by G.
Protein change: p.Asn56Ser; replaces asparagine 56 with serine.
Molecular consequence: missense variant. On other transcripts: 5 prime UTR variant (1).
Genome position (GRCh38, 1-based): chr8:89,982,726, T>C on the plus strand (A>G on the coding strand, the complement: NBN is on the minus strand). VCF-style: chr8-89982726-T-C. GRCh37 (hg19) VCF-style: chr8-90994954-T-C.
Other names: c.-130A>G (NM_001024688.3); short protein forms N56S.
Identifiers: ClinVar variation 530731 (VCV000530731.16), dbSNP rs1554569009, ClinGen allele CA371662880.
Genomic context (GRCh38, chr8:89,982,726, plus strand): 5'-ATTTTGTGATTTCAACCCCCTTACTGGAAACTAGTGAAATAAAATTAGTAACATACCAGG[T>C]TGGTTACAGAAAAGTTAGCAGTTAACACAGCATGATTTCGGCTGATCGACTGATCATTTT-3'
Protein context (NP_002476.2, residues 46-66): AVLTANFSVT[Asn56Ser]LSQTDEIPVL

ClinVar aggregate classification (germline): Uncertain significance. Review status: criteria provided, multiple submitters, no conflicts (2 of 4 stars). 4 submissions from 4 submitters: Uncertain significance (4). Last evaluated 2024-05-06.

Conditions:
Hereditary cancer-predisposing syndrome. Also called: Neoplastic Syndromes, Hereditary; Hereditary neoplastic syndrome; Tumor predisposition; Hereditary Cancer Syndrome. Identifiers: Orphanet 140162, MedGen C0027672, MeSH D009386, MONDO:0015356.
Microcephaly, normal intelligence and immunodeficiency (NBS). Also called: Immunodeficiency, microcephaly with normal intelligence; Ataxia telangiectasia variant V1; IMMUNODEFICIENCY, MICROCEPHALY, AND CHROMOSOMAL INSTABILITY; BERLIN BREAKAGE SYNDROME; SEEMANOVA SYNDROME II; Nijmegen breakage syndrome. Identifiers: Orphanet 647, MedGen C0398791, MONDO:0009623, OMIM 251260.

Submissions (4):

Labcorp Genetics (formerly Invitae), Labcorp
Classification: Uncertain significance for Microcephaly, normal intelligence and immunodeficiency. Last evaluated: 2024-05-06. Review status: criteria provided, single submitter. Criteria: Invitae Variant Classification Sherloc (09022015). Collection method: clinical testing. Allele origin: germline.
Comment: This sequence change replaces asparagine, which is neutral and polar, with serine, which is neutral and polar, at codon 56 of the NBN protein (p.Asn56Ser). This variant is not present in population databases (gnomAD no frequency). This variant has not been reported in the literature in individuals affected with NBN-related conditions. ClinVar contains an entry for this variant (Variation ID: 530731). Algorithms developed to predict the effect of missense changes on protein structure and function output the following: SIFT: "Not Available"; PolyPhen-2: "Benign"; Align-GVGD: "Not Available". The serine amino acid residue is found in multiple mammalian species, which suggests that this missense change does not adversely affect protein function. In summary, the available evidence is currently insufficient to determine the role of this variant in disease. Therefore, it has been classified as a Variant of Uncertain Significance.

Mendelics
Classification: Uncertain significance. Last evaluated: 2023-06-19. Review status: criteria provided, single submitter. Criteria: Mendelics Assertion Criteria 2019. Collection method: clinical testing. Allele origin: germline.

Ambry Genetics
Classification: Uncertain significance for Hereditary cancer-predisposing syndrome. Last evaluated: 2022-11-23. Review status: criteria provided, single submitter. Criteria: Ambry Variant Classification Scheme 2023. Collection method: clinical testing. Allele origin: germline.
Comment: The p.N56S variant (also known as c.167A>G), located in coding exon 2 of the NBN gene, results from an A to G substitution at nucleotide position 167. The asparagine at codon 56 is replaced by serine, an amino acid with highly similar properties. This amino acid position is not well conserved in available vertebrate species. In addition, this alteration is predicted to be tolerated by in silico analysis. Since supporting evidence is limited at this time, the clinical significance of this alteration remains unclear.

Genome-Nilou Lab
Classification: Uncertain significance for Microcephaly, normal intelligence and immunodeficiency. Last evaluated: 2021-11-07. Review status: criteria provided, single submitter. Criteria: ACMG Guidelines, 2015. Collection method: clinical testing. Allele origin: germline. Affected: no.